The following is an entry in ClinVar:

NM_005026.5(PIK3CD):c.550C>T (p.Arg184Trp)

Gene: PIK3CD (phosphatidylinositol-4,5-bisphosphate 3-kinase catalytic subunit delta; plus strand). Cytogenetic location: 1p36.22.
Variant type: single nucleotide variant.
Coding change: c.550C>T on transcript NM_005026.5 (MANE Select); coding-DNA position 550, C replaced by T.
Protein change: p.Arg184Trp; replaces arginine 184 with tryptophan.
Molecular consequence: missense variant.
Genome position (GRCh38, 1-based): chr1:9,716,028, C>T. VCF-style: chr1-9716028-C-T. GRCh37 (hg19) VCF-style: chr1-9776086-C-T.
Other names: c.550C>T, p.Arg184Trp (NM_001350234.2, NM_001350235.1); short protein forms R184W.
Identifiers: ClinVar variation 1362327 (VCV001362327.7), dbSNP rs1250682190, ClinGen allele CA338300861.

ClinVar aggregate classification (germline): Uncertain significance. Review status: criteria provided, multiple submitters, no conflicts (2 of 4 stars). 2 submissions from 2 submitters: Uncertain significance (2). Last evaluated 2023-10-26.

Conditions:
Immunodeficiency 14 (IMD14A). Also called: ACTIVATED PI3K-DELTA SYNDROME 1; Activated PI3K Delta Syndrome Type 1 (APDS1); p110-DELTA-ACTIVATING MUTATION CAUSING SENESCENT T CELLS, LYMPHADENOPATHY, AND IMMUNODEFICIENCY; IMMUNODEFICIENCY 14A WITH LYMPHOPROLIFERATION, AUTOSOMAL DOMINANT. Identifiers: Orphanet 397596, Orphanet 693661, MedGen C5907821, MONDO:0014222, OMIM 615513.

Allele frequency attached by ClinVar (database versions not stated): gnomAD exomes 0.00001; TOPMed 0.00001.
gnomAD v4.1: 10 of 1,612,638 alleles (0.00062%); highest among the groups gnomAD compares: African/African-American, 0.0013%; no homozygotes.

Submissions (2):

Blueprint Genetics
Classification: Uncertain significance. Last evaluated: 2023-10-26. Review status: criteria provided, single submitter. Criteria: ACMG Guidelines, 2015. Collection method: clinical testing. Allele origin: germline.

Labcorp Genetics (formerly Invitae), Labcorp
Classification: Uncertain significance for Activated PI3K-delta syndrome. Last evaluated: 2022-07-11. Review status: criteria provided, single submitter. Criteria: Invitae Variant Classification Sherloc (09022015). Collection method: clinical testing. Allele origin: germline.
Comment: This sequence change replaces arginine, which is basic and polar, with tryptophan, which is neutral and slightly polar, at codon 184 of the PIK3CD protein (p.Arg184Trp). This variant is not present in population databases (gnomAD no frequency). This variant has not been reported in the literature in individuals affected with PIK3CD-related conditions. ClinVar contains an entry for this variant (Variation ID: 1362327). Algorithms developed to predict the effect of missense changes on protein structure and function are either unavailable or do not agree on the potential impact of this missense change (SIFT: "Deleterious"; PolyPhen-2: "Possibly Damaging"; Align-GVGD: "Class C0"). In summary, the available evidence is currently insufficient to determine the role of this variant in disease. Therefore, it has been classified as a Variant of Uncertain Significance.